The following is an entry in ClinVar:

ClinVar aggregate classification (germline): Benign. Review status: criteria provided, multiple submitters, no conflicts (2 of 4 stars). 7 submissions from 7 submitters: Benign (6). 1 of the submissions does not count toward it. Last evaluated 2026-02-02.

Conditions:
Usher syndrome type 1C. Also called: USHER SYNDROME, TYPE I, ACADIAN VARIETY. Identifiers: Orphanet 231169, Orphanet 886, MedGen C1848604, MONDO:0010171, OMIM 276904.

Allele frequency attached by ClinVar (database versions not stated): gnomAD exomes 0.00174 and 0.00397; ExAC 0.01086; gnomAD 0.01479 and 0.01559; ESP Exome Variant Server 0.01487; TOPMed 0.01681; 1000 Genomes Project 0.01977; 1000 Genomes Project 30x 0.02046.
gnomAD v4.1: 4,886 of 1,593,664 alleles (0.31%); highest among the groups gnomAD compares: African/African-American, 5.1%; 137 homozygotes.

Submissions (7):

Labcorp Genetics (formerly Invitae), Labcorp
Classification: Benign. Last evaluated: 2026-02-02. Review status: criteria provided, single submitter. Criteria: Invitae Variant Classification Sherloc (09022015). Collection method: clinical testing. Allele origin: germline.

Athena Diagnostics
Classification: Benign. Last evaluated: 2018-11-12. Review status: criteria provided, single submitter. Criteria: Athena Diagnostics Criteria. Collection method: clinical testing. Allele origin: germline.

Illumina Laboratory Services, Illumina
Classification: Benign for Usher syndrome type 1C. Last evaluated: 2018-01-13. Review status: criteria provided, single submitter. Criteria: ICSL Variant Classification Criteria 13 December 2019. Collection method: clinical testing. Allele origin: germline.
Comment: This variant was observed in the ICSL laboratory as part of a predisposition screen in an ostensibly healthy population. It had not been previously curated by ICSL or reported in the Human Gene Mutation Database (HGMD: prior to June 1st, 2018), and was therefore a candidate for classification through an automated scoring system. Utilizing variant allele frequency, disease prevalence and penetrance estimates, and inheritance mode, an automated score was calculated to assess if this variant is too frequent to cause the disease. Based on the score and internal cut-off values, a variant classified as benign is not then subjected to further curation. The score for this variant resulted in a classification of benign for this disease.

GeneDx
Classification: Benign. Last evaluated: 2016-07-01. Review status: criteria provided, single submitter. Criteria: GeneDx Variant Classification (06012015). Collection method: clinical testing. Allele origin: germline. Affected: yes.
Comment: This variant is considered likely benign or benign based on one or more of the following criteria: it is a conservative change, it occurs at a poorly conserved position in the protein, it is predicted to be benign by multiple in silico algorithms, and/or has population frequency not consistent with disease.

Genomic Diagnostic Laboratory, Division of Genomic Diagnostics, Children's Hospital of Philadelphia
Classification: Benign. Last evaluated: 2015-02-05. Review status: criteria provided, single submitter. Criteria: DGD Variant Analysis Guidelines. Collection method: clinical testing. Allele origin: unknown.

Laboratory for Molecular Medicine, Mass General Brigham Personalized Medicine
Classification: Benign. Last evaluated: 2012-05-14. Review status: criteria provided, single submitter. Criteria: LMM Criteria. Collection method: clinical testing. Allele origin: germline. Observed: 24 variant alleles.
Comment: Gly421Ser in Exon 15B of USH1C: This variant is not expected to have clinical si gnificance because it has been identified in 4.3% (162/3734) of African American chromosomes from a broad population by the NHLBI Exome Sequencing Project (dbSNP rs115931035).

Natera, Inc.
Classification: Benign for Usher syndrome type 1C. Last evaluated: 2020-09-16. Review status: no assertion criteria provided. Collection method: clinical testing. Allele origin: germline. Not counted in ClinVar's aggregate classification.

NM_005709.4(USH1C):c.1261G>A (p.Gly421Ser)

Gene: USH1C (USH1 protein network component harmonin; minus strand). Cytogenetic location: 11p15.1.
Variant type: single nucleotide variant.
Coding change: c.1261G>A on transcript NM_005709.4 (MANE Plus Clinical); coding-DNA position 1261, G replaced by A.
Protein change: p.Gly421Ser; replaces glycine 421 with serine.
Molecular consequence: missense variant. On other transcripts: intron variant (1).
Genome position (GRCh38, 1-based): chr11:17,517,424, C>T on the plus strand (G>A on the coding strand, the complement: USH1C is on the minus strand). VCF-style: chr11-17517424-C-T. GRCh37 (hg19) VCF-style: chr11-17538971-C-T.
Other names: c.1204G>A, p.Gly402Ser (NM_001297764.2); c.1211-1134G>A (NM_153676.4); short protein forms G421S, G402S.
Identifiers: ClinVar variation 45426 (VCV000045426.19), dbSNP rs115931035, ClinGen allele CA248640.